The following is an entry in ClinVar:

ClinVar aggregate classification (germline): Likely benign (0 of 4 stars; one submission).

Conditions:
DIP2C-related disorder. Also called: DIP2C-related condition.

Allele frequency attached by ClinVar (database versions not stated): gnomAD exomes below 0.00001.
gnomAD v4.1: 2 of 1,614,134 alleles (0.00012%); highest among the groups gnomAD compares: Middle Eastern, 0.017%; no homozygotes.

Submission:

PreventionGenetics, part of Exact Sciences
Classification: Likely benign for DIP2C-related condition. Last evaluated: 2019-07-10. Review status: no assertion criteria provided. Collection method: clinical testing. Allele origin: germline.
Comment: This variant is classified as likely benign based on ACMG/AMP sequence variant interpretation guidelines (Richards et al. 2015 PMID: 25741868, with internal and published modifications).

NM_014974.3(DIP2C):c.4098G>C (p.Leu1366=)

Gene: DIP2C (disco interacting protein 2 homolog C; minus strand). Cytogenetic location: 10p15.3.
Variant type: single nucleotide variant.
Coding change: c.4098G>C on transcript NM_014974.3 (MANE Select); coding-DNA position 4098, G replaced by C.
Protein change: p.Leu1366=; no amino-acid change (leucine 1366 retained).
Molecular consequence: synonymous variant.
Genome position (GRCh38, 1-based): chr10:286,294, C>G on the plus strand (G>C on the coding strand, the complement: DIP2C is on the minus strand). VCF-style: chr10-286294-C-G. GRCh37 (hg19) VCF-style: chr10-332234-C-G.
Identifiers: ClinVar variation 3050735 (VCV003050735.2), dbSNP rs2540222565, ClinGen allele CA467915163.
Genomic context (GRCh38, chr10:286,294, plus strand): 5'-CAGAAAAGTAACCTGGATCTCGGAGGACACTCAACTCACCTCTCCAAGGTGTGAGTCCCC[C>G]AGCGGTCCTTTTGTTTCTGGGTTGGCAATTATAATCCGAACCCCTGGAAGTATCTATTTG-3'
Protein context (NP_055789.1, residues 1356-1376): IIANPETKGP[Leu1366=]GDSHLGEIWV